The following is an entry in ClinVar:

ClinVar aggregate classification (germline): Pathogenic (1 of 4 stars; one submission).

Submission:

CeGaT Center for Human Genetics Tuebingen
Classification: Pathogenic. Last evaluated: 2025-02-01. Review status: criteria provided, single submitter. Criteria: CeGaT Center For Human Genetics Tuebingen Variant Classification Criteria Version 2. Collection method: clinical testing. Allele origin: germline. Affected: yes. Observed: 1 variant allele.
Comment: ELANE: PM1, PM2, PM5, PS4:Moderate, PP2, PP3

NM_001972.4(ELANE):c.179T>C (p.Ile60Thr)

Gene: ELANE (elastase, neutrophil expressed; plus strand). Cytogenetic location: 19p13.3.
Variant type: single nucleotide variant.
Coding change: c.179T>C on transcript NM_001972.4 (MANE Select); coding-DNA position 179, T replaced by C.
Protein change: p.Ile60Thr; replaces isoleucine 60 with threonine.
Molecular consequence: missense variant.
Genome position (GRCh38, 1-based): chr19:852,987, T>C. VCF-style: chr19-852987-T-C. GRCh37 (hg19) VCF-style: chr19-852987-T-C.
Other names: short protein forms I60T.
Identifiers: ClinVar variation 3771868 (VCV003771868.13).
Genomic context (GRCh38, chr19:852,987, plus strand): 5'-CGTGGCCCTTCATGGTGTCCCTGCAGCTGCGCGGAGGCCACTTCTGCGGCGCCACCCTGA[T>C]TGCGCCCAACTTCGTCATGTCGGCCGCGCACTGCGTGGCGAATGTGTGAGTAGCCGGGAG-3'
Protein context (NP_001963.1, residues 50-70): RGGHFCGATL[Ile60Thr]APNFVMSAAH